The following is an entry in ClinVar:

NM_032119.4(ADGRV1):c.8266G>A (p.Gly2756Arg)

Gene: ADGRV1 (adhesion G protein-coupled receptor V1; plus strand). Cytogenetic location: 5q14.3.
Variant type: single nucleotide variant.
Coding change: c.8266G>A on transcript NM_032119.4 (MANE Select); coding-DNA position 8266, G replaced by A.
Protein change: p.Gly2756Arg; replaces glycine 2756 with arginine.
Molecular consequence: missense variant. On other transcripts: non-coding transcript variant (1).
Genome position (GRCh38, 1-based): chr5:90,703,775, G>A. VCF-style: chr5-90703775-G-A. GRCh37 (hg19) VCF-style: chr5-89999592-G-A.
Other names: short protein forms G2756R.
Identifiers: ClinVar variation 449252 (VCV000449252.20), dbSNP rs546198768, ClinGen allele CA3340203.
Genomic context (GRCh38, chr5:90,703,775, plus strand): 5'-GTTACTGTTAACTGGAAAATTATTGGGCAAAATCTAGAACTCAATTTTGCTAACTTTAGC[G>A]GACAACTTTTCTTTCCTGAGGTAATACTGCAAAGAAAAGTCGATCACAAATATCTAGAAA-3'
Protein context (NP_115495.3, residues 2746-2766): NLELNFANFS[Gly2756Arg]QLFFPEGSLN

ClinVar aggregate classification (germline): Uncertain significance. Review status: criteria provided, multiple submitters, no conflicts (2 of 4 stars). 7 submissions from 7 submitters: Uncertain significance (7). Last evaluated 2026-05-12.

Conditions:
ADGRV1-related disorder. Also called: ADGRV1-related disorders; ADGRV1-related condition.
Usher syndrome. Also called: Usher's syndrome; Usher Syndromes. Identifiers: Orphanet 886, MedGen CN469326, MeSH D052245, MONDO:0019501. Disease mechanism: loss of function.

Allele frequency attached by ClinVar (database versions not stated): gnomAD exomes 0.00008 and 0.00005; gnomAD 0.00014 and 0.00015; TOPMed 0.00015; 1000 Genomes Project 30x 0.00016; 1000 Genomes Project 0.00020; ExAC 0.00003.

Submissions (7):

PreventionGenetics, part of Exact Sciences
Classification: Uncertain significance for ADGRV1-related condition. Last evaluated: 2026-05-12. Review status: criteria provided, single submitter. Criteria: ACMG Guidelines, 2015. Collection method: clinical testing. Allele origin: germline.
Comment: The ADGRV1 c.8266G>A variant is predicted to result in the amino acid substitution p.Gly2756Arg. This variant was reported together with ADGRV1 variant c.13228G>A in an individual with atypical childhood epilepsy with centrotemporal spikes with negative myoclonus (ACECTS) and both variants were assessed as variants of unknown significance (Myers et al. 2018. PubMed ID: 29266188). This variant is reported in 0.0094% of alleles in individuals of European (Non-Finnish) descent in gnomAD; and the co-occurrence tool indicates this variant is like on the same allele (i.e. in cis) with variant c.13228G>A. At this time, the clinical significance of this variant is uncertain due to the absence of conclusive functional and genetic evidence.

GeneDx
Classification: Uncertain significance. Last evaluated: 2025-09-23. Review status: criteria provided, single submitter. Criteria: GeneDx Variant Classification Process June 2021. Collection method: clinical testing. Allele origin: germline. Affected: yes.
Comment: Observed with the E4410K variant in the ADGRV1 gene in a patient with myoclonic epilepsy in published literature (PMID: 29266188); In silico analysis supports that this missense variant has a deleterious effect on protein structure/function; This variant is associated with the following publications: (PMID: 32962041, 34160719, 29266188)

Athena Diagnostics
Classification: Uncertain significance. Last evaluated: 2024-12-06. Review status: criteria provided, single submitter. Criteria: Athena Diagnostics Criteria. Collection method: clinical testing. Allele origin: unknown.
Comment: Available data are insufficient to determine the clinical significance of the variant at this time. The frequency of this variant in the general population is uninformative in assessment of its pathogenicity. Polyphen and MutationTaster predict this amino acid change may be damaging to the protein.

Blueprint Genetics
Classification: Uncertain significance. Last evaluated: 2024-10-01. Review status: criteria provided, single submitter. Criteria: ACMG Guidelines, 2015. Collection method: clinical testing. Allele origin: germline.

Labcorp Genetics (formerly Invitae), Labcorp
Classification: Uncertain significance. Last evaluated: 2024-01-26. Review status: criteria provided, single submitter. Criteria: Invitae Variant Classification Sherloc (09022015). Collection method: clinical testing. Allele origin: germline.
Comment: This sequence change replaces glycine, which is neutral and non-polar, with arginine, which is basic and polar, at codon 2756 of the ADGRV1 protein (p.Gly2756Arg). This variant is present in population databases (rs546198768, gnomAD 0.01%). This missense change has been observed in individual(s) with childhood epilepsy (PMID: 29266188). ClinVar contains an entry for this variant (Variation ID: 449252). Advanced modeling of protein sequence and biophysical properties (such as structural, functional, and spatial information, amino acid conservation, physicochemical variation, residue mobility, and thermodynamic stability) performed at Invitae indicates that this missense variant is not expected to disrupt ADGRV1 protein function with a negative predictive value of 80%. Algorithms developed to predict the effect of sequence changes on RNA splicing suggest that this variant may disrupt the consensus splice site. In summary, the available evidence is currently insufficient to determine the role of this variant in disease. Therefore, it has been classified as a Variant of Uncertain Significance.

Victorian Clinical Genetics Services, Murdoch Childrens Research Institute
Classification: Uncertain significance for Usher syndrome. Last evaluated: 2020-05-26. Review status: criteria provided, single submitter. Criteria: ACMG Guidelines, 2015. Collection method: clinical testing. Allele origin: germline. Affected: yes.
Comment: Based on the classification scheme VCGS_Germline_v0.6.1, this variant is classified as a 3B-VUS. Following criteria are met: 0102 - Loss of function is a known mechanism of disease for this gene. 0108 - This gene is known to be associated with both recessive and dominant disease. 0200 - Variant is predicted to result in a missense amino acid change from a glycine to an arginine (exon 35). 0304 - Variant is present in gnomAD <0.01 for recessive indication (15 heterozygotes, 0 homozygotes) 0501 - Missense variant consistently predicted to be damaging by in silico tools or highly conserved with a major amino acid change. 0600 - Variant is located in an annotated domain or motif that does not have a well-established function (Calx-beta domain). 0705 - No comparable variants in relevant codon/region have previous evidence for pathogenicity. 0807 - Variant has not previously been reported in a clinical context. 0905 - No published segregation evidence has been identified for this variant. 1007 - No published functional evidence has been identified for this variant. Legend: (P) - Pathogenic, (N) - Neutral, (B) - Benign

Laboratory for Molecular Medicine, Mass General Brigham Personalized Medicine
Classification: Uncertain significance. Last evaluated: 2017-02-28. Review status: criteria provided, single submitter. Criteria: LMM Criteria. Collection method: clinical testing. Allele origin: germline. Observed: 1 variant allele.
Comment: The p.Gly2756Arg variant in GPR98 has not been previously reported in individual s with Usher syndrome, but has been identified in 2/35724 European chromosomes b y the Exome Aggregation Consortium (ExAC; dbSNP rs546198768). Although this variant has been seen in the general population, its frequency is not high enough to rule out a pathogenic role. Computational predi ction tools and conservation analysis suggest that the p.Gly2756Arg variant may impact the protein, though this information is not predictive enough to determin e pathogenicity. In summary, the clinical significance of the p.Gly2756Arg varia nt is uncertain.

Literature cited by the submitters: PubMed 29266188 (cited by Athena Diagnostics and Labcorp Genetics (formerly Invitae), Labcorp).